The following is an entry in ClinVar:

NM_000155.4(GALT):c.288C>T (p.Asp96=)

Gene: GALT (galactose-1-phosphate uridylyltransferase; plus strand). Cytogenetic location: 9p13.3.
Variant type: single nucleotide variant.
Coding change: c.288C>T on transcript NM_000155.4 (MANE Select); coding-DNA position 288, C replaced by T.
Protein change: p.Asp96=; no amino-acid change (aspartic acid 96 retained).
Molecular consequence: synonymous variant. On other transcripts: intron variant (1).
Genome position (GRCh38, 1-based): chr9:34,647,527, C>T. VCF-style: chr9-34647527-C-T. GRCh37 (hg19) VCF-style: chr9-34647524-C-T.
Other names: p.Asp96=; c.50+269C>T (NM_001258332.2).
Identifiers: ClinVar variation 3379859 (VCV003379859.1).

ClinVar aggregate classification (germline): Uncertain significance (1 of 4 stars; one submission).

Submission:

Mayo Clinic Laboratories, Mayo Clinic
Classification: Uncertain significance. Last evaluated: 2024-03-15. Review status: criteria provided, single submitter. Criteria: ACMG Guidelines, 2015. Collection method: clinical testing. Allele origin: germline. Observed: 1 variant allele.
Comment: PM2